The following is an entry in ClinVar:

NM_014391.3(ANKRD1):c.180G>A (p.Trp60Ter)

Gene: ANKRD1 (ankyrin repeat domain 1; minus strand). Cytogenetic location: 10q23.31.
Variant type: single nucleotide variant.
Coding change: c.180G>A on transcript NM_014391.3 (MANE Select); coding-DNA position 180, G replaced by A.
Protein change: p.Trp60Ter; replaces tryptophan 60 with a stop codon.
Molecular consequence: nonsense.
Genome position (GRCh38, 1-based): chr10:90,920,196, C>T on the plus strand (G>A on the coding strand, the complement: ANKRD1 is on the minus strand). VCF-style: chr10-90920196-C-T. GRCh37 (hg19) VCF-style: chr10-92679953-C-T.
Other names: short protein forms W60*.
Identifiers: ClinVar variation 201663 (VCV000201663.9), dbSNP rs760365338, ClinGen allele CA335067.

ClinVar aggregate classification (germline): Uncertain significance. Review status: criteria provided, multiple submitters, no conflicts (2 of 4 stars). 3 submissions from 3 submitters: Uncertain significance (3). Last evaluated 2026-07-23.

Conditions:
ANKRD1-related disorder. Also called: ANKRD1-related condition.
Cardiovascular phenotype. Identifiers: MedGen CN230736.
ANKRD1-related dilated cardiomyopathy. Identifiers: MedGen CN119551.

Allele frequency attached by ClinVar (database versions not stated): gnomAD exomes below 0.00001 and 0.00001; ExAC 0.00002; TOPMed 0.00003; gnomAD 0.00005.
gnomAD v4.1: 8 of 1,613,964 alleles (0.0005%); highest among the groups gnomAD compares: African/African-American, 0.011%; no homozygotes.

Submissions (3):

PreventionGenetics, part of Exact Sciences
Classification: Uncertain significance for ANKRD1-related condition. Last evaluated: 2026-07-23. Review status: criteria provided, single submitter. Criteria: ACMG Guidelines, 2015. Collection method: clinical testing. Allele origin: germline.
Comment: The ANKRD1 c.180G>A variant is predicted to result in premature protein termination (p.Trp60*). To our knowledge, this variant has not been reported in the literature. This variant is reported in 0.012% of alleles in individuals of African descent in gnomAD. At this time, the clinical significance of this variant is uncertain due to the absence of conclusive functional and genetic evidence.

Labcorp Genetics (formerly Invitae), Labcorp
Classification: Uncertain significance for ANKRD1-related dilated cardiomyopathy. Last evaluated: 2021-11-06. Review status: criteria provided, single submitter. Criteria: Invitae Variant Classification Sherloc (09022015). Collection method: clinical testing. Allele origin: germline.
Comment: In summary, the available evidence is currently insufficient to determine the role of this variant in disease. Therefore, it has been classified as a Variant of Uncertain Significance. ClinVar contains an entry for this variant (Variation ID: 201663). This variant has not been reported in the literature in individuals affected with ANKRD1-related conditions. This variant is present in population databases (rs760365338, gnomAD 0.01%). This sequence change creates a premature translational stop signal (p.Trp60*) in the ANKRD1 gene. It is expected to result in an absent or disrupted protein product. However, the current clinical and genetic evidence is not sufficient to establish whether loss-of-function variants in ANKRD1 cause disease.

Ambry Genetics
Classification: Uncertain significance for Cardiovascular phenotype. Last evaluated: 2021-05-01. Review status: criteria provided, single submitter. Criteria: Ambry Variant Classification Scheme 2023. Collection method: clinical testing. Allele origin: germline.
Comment: The p.W60* variant (also known as c.180G>A), located in coding exon 2 of the ANKRD1 gene, results from a G to A substitution at nucleotide position 180. This changes the amino acid from a tryptophan to a stop codon within coding exon 2. This alteration is expected to result in premature protein truncation or nonsense-mediated mRNA decay. However, loss of function of ANKRD1 has not been clearly established as a mechanism of disease. Since supporting evidence is limited at this time, the clinical significance of this alteration remains unclear.